The following is an entry in ClinVar:

NM_000901.5(NR3C2):c.2466G>A (p.Thr822=)

Gene: NR3C2 (nuclear receptor subfamily 3 group C member 2; minus strand). Cytogenetic location: 4q31.23.
Variant type: single nucleotide variant.
Coding change: c.2466G>A on transcript NM_000901.5 (MANE Select); coding-DNA position 2466, G replaced by A.
Protein change: p.Thr822=; no amino-acid change (threonine 822 retained).
Molecular consequence: synonymous variant.
Genome position (GRCh38, 1-based): chr4:148,152,513, C>T on the plus strand (G>A on the coding strand, the complement: NR3C2 is on the minus strand). VCF-style: chr4-148152513-C-T. GRCh37 (hg19) VCF-style: chr4-149073664-C-T.
Other names: c.2115G>A, p.Thr705= (NM_001166104.2, NM_001354819.1).
Identifiers: ClinVar variation 3032488 (VCV003032488.2), dbSNP rs368406158, ClinGen allele CA3100101.
Genomic context (GRCh38, chr4:148,152,513, plus strand): 5'-ATTAATAGGTACTTACTCATTAAAGACTAGGTCTGGTGCAAAATAGAGAAATTGGCTGTT[C>T]GTATGTTTGTACGATCTCCAGCTCAAGGCAAATGATGATAGACACATCCAAGAATACTGG-3'
Protein context (NP_000892.2, residues 812-832): FALSWRSYKH[Thr822=]NSQFLYFAPD

ClinVar aggregate classification (germline): Likely benign (0 of 4 stars; one submission).

Conditions:
NR3C2-related disorder. Also called: NR3C2-related condition; NR3C2-related disorders.

Allele frequency attached by ClinVar (database versions not stated): ExAC 0.00005; gnomAD 0.00011; TOPMed 0.00011; ESP Exome Variant Server 0.00015.
gnomAD v4.1: 48 of 1,613,856 alleles (0.003%); highest among the groups gnomAD compares: African/African-American, 0.041%; no homozygotes.

Submission:

PreventionGenetics, part of Exact Sciences
Classification: Likely benign for NR3C2-related condition. Last evaluated: 2021-09-13. Review status: no assertion criteria provided. Collection method: clinical testing. Allele origin: germline.
Comment: This variant is classified as likely benign based on ACMG/AMP sequence variant interpretation guidelines (Richards et al. 2015 PMID: 25741868, with internal and published modifications).